The following is an entry in ClinVar:

NM_139058.3(ARX):c.678C>G (p.Asp226Glu)

Gene: ARX (aristaless related homeobox; minus strand). Cytogenetic location: Xp21.3.
Variant type: single nucleotide variant.
Coding change: c.678C>G on transcript NM_139058.3 (MANE Select); coding-DNA position 678, C replaced by G.
Protein change: p.Asp226Glu; replaces aspartic acid 226 with glutamic acid.
Molecular consequence: missense variant.
Genome position (GRCh38, 1-based): chrX:25,013,317, G>C on the plus strand (C>G on the coding strand, the complement: ARX is on the minus strand). VCF-style: chrX-25013317-G-C. GRCh37 (hg19) VCF-style: chrX-25031434-G-C.
Other names: short protein forms D226E.
Identifiers: ClinVar variation 1057299 (VCV001057299.7), dbSNP rs764730866, ClinGen allele CA10373888.

ClinVar aggregate classification (germline): Uncertain significance. Review status: criteria provided, multiple submitters, no conflicts (2 of 4 stars). 2 submissions from 2 submitters: Uncertain significance (2). Last evaluated 2024-06-06.

Conditions:
Intellectual disability, X-linked, with or without seizures, ARX-related. Also called: MENTAL RETARDATION, X-LINKED 29; MENTAL RETARDATION, X-LINKED 32; MENTAL RETARDATION, X-LINKED 33; MENTAL RETARDATION, X-LINKED 38; MENTAL RETARDATION, X-LINKED 43; MENTAL RETARDATION, X-LINKED 76. Identifiers: Orphanet 777, MedGen C0796244, MONDO:0010317, OMIM 300419.
Developmental and epileptic encephalopathy, 1 (DEE1). Also called: X-linked infantile spasms; West's syndrome; Tonic spasms with clustering, arrest of psychomotor development and hypsarrhythmia on EEG; X-Linked Infantile Spasm Syndrome; OHTAHARA SYNDROME, X-LINKED; Epileptic encephalopathy, early infantile, 1. Identifiers: MedGen C3463992, MONDO:0010632, OMIM 308350. Disease mechanism: loss of function.

Allele frequency attached by ClinVar (database versions not stated): 1000 Genomes Project 30x 0.00021; 1000 Genomes Project 0.00026.

Submissions (2):

ARUP Laboratories, Molecular Genetics and Genomics, ARUP Laboratories
Classification: Uncertain significance. Last evaluated: 2024-06-06. Review status: criteria provided, single submitter. Criteria: ARUP Molecular Germline Variant Investigation Process 2024. Collection method: clinical testing. Allele origin: germline.

Labcorp Genetics (formerly Invitae), Labcorp
Classification: Uncertain significance for Developmental and epileptic encephalopathy, 1; Intellectual disability, X-linked, with or without seizures, ARX-related. Last evaluated: 2022-10-30. Review status: criteria provided, single submitter. Criteria: Invitae Variant Classification Sherloc (09022015). Collection method: clinical testing. Allele origin: germline.
Comment: This sequence change replaces aspartic acid, which is acidic and polar, with glutamic acid, which is acidic and polar, at codon 226 of the ARX protein (p.Asp226Glu). This variant is present in population databases (rs764730866, gnomAD 0.005%). This variant has not been reported in the literature in individuals affected with ARX-related conditions. ClinVar contains an entry for this variant (Variation ID: 1057299). Advanced modeling of protein sequence and biophysical properties (such as structural, functional, and spatial information, amino acid conservation, physicochemical variation, residue mobility, and thermodynamic stability) performed at Invitae indicates that this missense variant is not expected to disrupt ARX protein function. In summary, the available evidence is currently insufficient to determine the role of this variant in disease. Therefore, it has been classified as a Variant of Uncertain Significance.